The following is an entry in ClinVar:

NM_005188.4(CBL):c.207G>C (p.Leu69Phe)

Gene: CBL (Cbl proto-oncogene; plus strand). Cytogenetic location: 11q23.3.
Variant type: single nucleotide variant.
Coding change: c.207G>C on transcript NM_005188.4 (MANE Select); coding-DNA position 207, G replaced by C.
Protein change: p.Leu69Phe; replaces leucine 69 with phenylalanine.
Molecular consequence: missense variant.
Genome position (GRCh38, 1-based): chr11:119,232,459, G>C. VCF-style: chr11-119232459-G-C. GRCh37 (hg19) VCF-style: chr11-119103169-G-C.
Other names: short protein forms L69F.
Identifiers: ClinVar variation 4868285 (VCV004868285.1).
Genomic context (GRCh38, chr11:119,232,459, plus strand): 5'-TGTCCTTAAAATTCTCCAAGTAATAGCCCTTCTTTTTCATTTGTTGCAGGTGGTGCGGTT[G>C]TGTCAGAACCCAAAGCTGGCGCTAAAGAATAGCCCACCTTATATCTTAGACCTGCTACCA-3'
Protein context (NP_005179.2, residues 59-79): CWKLMDKVVR[Leu69Phe]CQNPKLALKN

ClinVar aggregate classification (germline): Uncertain significance (1 of 4 stars; one submission).

Conditions:
Cardiovascular phenotype. Identifiers: MedGen CN230736.

Submission:

Ambry Genetics
Classification: Uncertain significance for Cardiovascular phenotype. Last evaluated: 2026-06-11. Review status: criteria provided, single submitter. Criteria: Ambry Variant Classification Scheme 2023. Collection method: clinical testing. Allele origin: germline.
Comment: The p.L69F variant (also known as c.207G>C), located in coding exon 2 of the CBL gene, results from a G to C substitution at nucleotide position 207. The leucine at codon 69 is replaced by phenylalanine, an amino acid with highly similar properties. This amino acid position is conserved. In addition, this alteration is predicted to be deleterious by in silico analysis. Based on the available evidence, the clinical significance of this variant remains unclear.